The following is an entry in ClinVar:

NM_213622.4(STAMBP):c.212T>C (p.Ile71Thr)

Gene: STAMBP (STAM binding protein; plus strand). Cytogenetic location: 2p13.1.
Variant type: single nucleotide variant.
Coding change: c.212T>C on transcript NM_213622.4 (MANE Select); coding-DNA position 212, T replaced by C.
Protein change: p.Ile71Thr; replaces isoleucine 71 with threonine.
Molecular consequence: missense variant. On other transcripts: 5 prime UTR variant (6), non-coding transcript variant (4).
Genome position (GRCh38, 1-based): chr2:73,844,821, T>C. VCF-style: chr2-73844821-T-C. GRCh37 (hg19) VCF-style: chr2-74071948-T-C.
Other names: c.212T>C, p.Ile71Thr (NM_001353967.2, NM_001353968.2, NM_001353969.2 and 3 more transcripts); c.-342T>C (NM_001353971.2, NM_001353973.2, NM_001353974.2 and 2 more transcripts); c.-194T>C (NM_001353972.2); short protein forms I71T.
Identifiers: ClinVar variation 2183831 (VCV002183831.4), dbSNP rs776031046, ClinGen allele CA1717472.

ClinVar aggregate classification (germline): Uncertain significance (1 of 4 stars; one submission).

Allele frequency attached by ClinVar (database versions not stated): ExAC 0.00003; gnomAD 0.00003; TOPMed 0.00003.

Submission:

Labcorp Genetics (formerly Invitae), Labcorp
Classification: Uncertain significance. Last evaluated: 2022-11-01. Review status: criteria provided, single submitter. Criteria: Invitae Variant Classification Sherloc (09022015). Collection method: clinical testing. Allele origin: germline.
Comment: This variant has not been reported in the literature in individuals affected with STAMBP-related conditions. Advanced modeling of protein sequence and biophysical properties (such as structural, functional, and spatial information, amino acid conservation, physicochemical variation, residue mobility, and thermodynamic stability) performed at Invitae indicates that this missense variant is not expected to disrupt STAMBP protein function. In summary, the available evidence is currently insufficient to determine the role of this variant in disease. Therefore, it has been classified as a Variant of Uncertain Significance. This sequence change replaces isoleucine, which is neutral and non-polar, with threonine, which is neutral and polar, at codon 71 of the STAMBP protein (p.Ile71Thr). This variant is present in population databases (rs776031046, gnomAD 0.01%).